The following is an entry in ClinVar:

ClinVar aggregate classification (germline): Uncertain significance. Review status: criteria provided, multiple submitters, no conflicts (2 of 4 stars). 2 submissions from 2 submitters: Uncertain significance (2). Last evaluated 2025-04-03.

Conditions:
Polycystic kidney disease, adult type (PKD1). Also called: POLYCYSTIC KIDNEY DISEASE 1 WITH OR WITHOUT POLYCYSTIC LIVER DISEASE; POLYCYSTIC KIDNEY DISEASE, ADULT, TYPE I; Polycystic Kidney Disease 1, Autosomal Dominant; Polycystic kidney disease 1; Polycystic kidney disease 1, severe; Polycystic Kidney, Autosomal Dominant. Identifiers: MedGen C3149841, MONDO:0008263, OMIM 173900.

Submissions (2):

Women's Health and Genetics/Laboratory Corporation of America, LabCorp
Classification: Uncertain significance. Last evaluated: 2025-04-03. Review status: criteria provided, single submitter. Criteria: LabCorp Variant Classification Summary - May 2015. Collection method: clinical testing. Allele origin: germline.
Comment: Variant summary: PKD1 c.11353T>C (p.Trp3785Arg) results in a non-conservative amino acid change located in the Polycystin domain (IPR046791) of the encoded protein sequence. Four of five in-silico tools predict a damaging effect of the variant on protein function. The variant was absent in 249648 control chromosomes (gnomAD). The available data on variant occurrences in the general population are insufficient to allow any conclusion about variant significance. c.11353T>C has been reported in the literature in heterozygous state in an individual affected with polycystic kidney disease (Xu_2024). These data do not allow any conclusion about variant significance. To our knowledge, no experimental evidence demonstrating an impact on protein function has been reported. A different missense affecting the same amino acid (W3785S) has been reported in affected individuals (HGMD), indicating a functional importance for this residue. No submitters have cited clinical-significance assessments for this variant to ClinVar. Based on the evidence outlined above, the variant was classified as uncertain significance.

Department of Pathology and Laboratory Medicine, Sinai Health System
Classification: Uncertain significance for Polycystic kidney disease, adult type. Last evaluated: 2022-09-12. Review status: criteria provided, single submitter. Criteria: ACMG Guidelines, 2015. Collection method: clinical testing. Allele origin: germline.

Literature cited by the submitters: PubMed 38527221 (cited by Women's Health and Genetics/Laboratory Corporation of America, LabCorp).

NM_001009944.3(PKD1):c.11353T>C (p.Trp3785Arg)

Genes: PKD1 (polycystin 1, transient receptor potential channel interacting; minus strand), PKD1-AS1 (PKD1 antisense RNA 1; plus strand). Cytogenetic location: 16p13.3.
Variant type: single nucleotide variant.
Coding change: c.11353T>C on transcript NM_001009944.3 (MANE Select); coding-DNA position 11353, T replaced by C.
Protein change: p.Trp3785Arg; replaces tryptophan 3785 with arginine.
Molecular consequence: missense variant.
Genome position (GRCh38, 1-based): chr16:2,092,105, A>G on the plus strand (T>C on the coding strand, the complement: PKD1 is on the minus strand). VCF-style: chr16-2092105-A-G. GRCh37 (hg19) VCF-style: chr16-2142106-A-G.
Other names: c.11350T>C, p.Trp3784Arg (NM_000296.4); short protein forms W3784R, W3785R.
Identifiers: ClinVar variation 3891976 (VCV003891976.3).